The following is an entry in ClinVar:

NM_198525.3(KIF7):c.-44C>T

Gene: KIF7 (kinesin family member 7; minus strand). Cytogenetic location: 15q26.1.
Variant type: single nucleotide variant.
Coding change: c.-44C>T on transcript NM_198525.3 (MANE Select); 44 bases upstream of the start codon, C replaced by T.
Molecular consequence: 5 prime UTR variant.
Genome position (GRCh38, 1-based): chr15:89,655,418, G>A on the plus strand (C>T on the coding strand, the complement: KIF7 is on the minus strand). VCF-style: chr15-89655418-G-A. GRCh37 (hg19) VCF-style: chr15-90198649-G-A.
Identifiers: ClinVar variation 515388 (VCV000515388.1), dbSNP rs1337876262, ClinGen allele CA619526391.

ClinVar aggregate classification (germline): Likely benign (1 of 4 stars; one submission).

Allele frequency attached by ClinVar (database versions not stated): TOPMed 0.00001; gnomAD 0.00002.

Submission:

GeneDx
Classification: Likely benign. Last evaluated: 2018-02-02. Review status: criteria provided, single submitter. Criteria: GeneDx Variant Classification (06012015). Collection method: clinical testing. Allele origin: germline. Affected: yes.
Comment: This variant is considered likely benign or benign based on one or more of the following criteria: it is a conservative change, it occurs at a poorly conserved position in the protein, it is predicted to be benign by multiple in silico algorithms, and/or has population frequency not consistent with disease.